The following is an entry in ClinVar:

ClinVar aggregate classification (germline): Uncertain significance. Review status: criteria provided, multiple submitters, no conflicts (2 of 4 stars). 2 submissions from 2 submitters: Uncertain significance (2). Last evaluated 2024-10-25.

Conditions:
Inborn genetic diseases. Identifiers: MedGen C0950123, MeSH D030342.

Allele frequency attached by ClinVar (database versions not stated): gnomAD exomes below 0.00001; gnomAD 0.00001; TOPMed 0.00002.
gnomAD v4.1: 3 of 1,614,060 alleles (0.00019%); highest among the groups gnomAD compares: African/African-American, 0.004%; no homozygotes.

Submissions (2):

Ambry Genetics
Classification: Uncertain significance for Inborn genetic diseases. Last evaluated: 2024-10-25. Review status: criteria provided, single submitter. Criteria: Ambry Variant Classification Scheme 2023. Collection method: clinical testing. Allele origin: germline.

Labcorp Genetics (formerly Invitae), Labcorp
Classification: Uncertain significance. Last evaluated: 2021-09-01. Review status: criteria provided, single submitter. Criteria: Invitae Variant Classification Sherloc (09022015). Collection method: clinical testing. Allele origin: germline.
Comment: This sequence change replaces glutamic acid with lysine at codon 2457 of the SZT2 protein (p.Glu2457Lys). The glutamic acid residue is highly conserved and there is a small physicochemical difference between glutamic acid and lysine. This variant is not present in population databases (ExAC no frequency). This variant has not been reported in the literature in individuals affected with SZT2-related conditions. Algorithms developed to predict the effect of missense changes on protein structure and function are either unavailable or do not agree on the potential impact of this missense change (SIFT: "Tolerated"; PolyPhen-2: "Possibly Damaging"; Align-GVGD: "Class C0"). In summary, the available evidence is currently insufficient to determine the role of this variant in disease. Therefore, it has been classified as a Variant of Uncertain Significance.

NM_001365999.1(SZT2):c.7540G>A (p.Glu2514Lys)

Gene: SZT2 (SZT2 subunit of KICSTOR complex; plus strand). Cytogenetic location: 1p34.2.
Variant type: single nucleotide variant.
Coding change: c.7540G>A on transcript NM_001365999.1 (MANE Select); coding-DNA position 7540, G replaced by A.
Protein change: p.Glu2514Lys; replaces glutamic acid 2514 with lysine.
Molecular consequence: missense variant.
Genome position (GRCh38, 1-based): chr1:43,441,532, G>A. VCF-style: chr1-43441532-G-A. GRCh37 (hg19) VCF-style: chr1-43907203-G-A.
Other names: c.7369G>A, p.Glu2457Lys (NM_015284.4); c.7369G>A (NM_015284.3); short protein forms E2514K, E2457K.
Identifiers: ClinVar variation 1480118 (VCV001480118.6), dbSNP rs1200201673, ClinGen allele CA340035209.